The following is an entry in ClinVar:

NM_015386.3(COG4):c.2095A>G (p.Thr699Ala)

Gene: COG4 (component of oligomeric golgi complex 4; minus strand). Cytogenetic location: 16q22.1.
Variant type: single nucleotide variant.
Coding change: c.2095A>G on transcript NM_015386.3 (MANE Select); coding-DNA position 2095, A replaced by G.
Protein change: p.Thr699Ala; replaces threonine 699 with alanine.
Molecular consequence: missense variant. On other transcripts: non-coding transcript variant (1).
Genome position (GRCh38, 1-based): chr16:70,481,775, T>C on the plus strand (A>G on the coding strand, the complement: COG4 is on the minus strand). VCF-style: chr16-70481775-T-C. GRCh37 (hg19) VCF-style: chr16-70515678-T-C.
Other names: c.2020A>G, p.Thr674Ala (NM_001195139.2); c.1669A>G, p.Thr557Ala (NM_001365426.1); short protein forms T557A, T674A, T699A.
Identifiers: ClinVar variation 1804253 (VCV001804253.4), dbSNP rs760243241, ClinGen allele CA8144060.
Genomic context (GRCh38, chr16:70,481,775, plus strand): 5'-TCCTCAGAGGAGAAACGAGAGCCGCAGACCCATGACCCCTTTACCTTACCCGGTTAAAGG[T>C]GGATTTCAGCACCACTTTCTCCAACTCGACGGCAACAAGGCTAGTCATGAGGCCGGTTAG-3'
Protein context (NP_056201.2, residues 689-709): VELEKVVLKS[Thr699Ala]FNRLGGLQFD

ClinVar aggregate classification (germline): Uncertain significance. Review status: criteria provided, multiple submitters, no conflicts (2 of 4 stars). 2 submissions from 2 submitters: Uncertain significance (2). Last evaluated 2026-08-13.

Conditions:
COG4-congenital disorder of glycosylation. Also called: CONGENITAL DISORDER OF GLYCOSYLATION, TYPE IIj; CDG IIj; COG4-CDG. Identifiers: Orphanet 263501, MedGen C4303552, MONDO:0013281, OMIM 613489.
Microcephalic osteodysplastic dysplasia, Saul-Wilson type. Also called: MICROCEPHALIC OSTEODYSPLASTIC DYSPLASIA; Saul-Wilson Syndrome. Identifiers: Orphanet 85172, MedGen C4509877, MONDO:0019407, OMIM 618150.
Inborn genetic diseases. Identifiers: MedGen C0950123, MeSH D030342.

Allele frequency attached by ClinVar (database versions not stated): TOPMed 0.00008; gnomAD exomes 0.00010; ExAC 0.00005; gnomAD 0.00009.
gnomAD v4.1: 161 of 1,613,486 alleles (0.01%); highest among the groups gnomAD compares: Non-Finnish European, 0.012%; no homozygotes.

Submissions (2):

GeneDx
Classification: Uncertain significance. Last evaluated: 2026-08-13. Review status: criteria provided, single submitter. Criteria: GeneDx Variant Classification Process June 2021. Collection method: clinical testing. Allele origin: germline.
Comment: Not observed at significant frequency in large population cohorts (gnomAD); In silico analysis suggests that this missense variant does not alter protein structure/function; Has not been previously published as pathogenic or benign to our knowledge

Ambry Genetics
Classification: Uncertain significance for Inborn genetic diseases. Last evaluated: 2024-01-23. Review status: criteria provided, single submitter. Criteria: Ambry Variant Classification Scheme 2023. Collection method: clinical testing. Allele origin: germline.